The following is an entry in ClinVar:

ClinVar aggregate classification (germline): Uncertain significance (1 of 4 stars; one submission).

Conditions:
Cardiomyopathy (CMYO). Also called: Cardiomyopathies. Identifiers: Orphanet 167848, MedGen C0878544, MONDO:0004994, HP:0001638. Inheritance: Various modes of inheritance.

Submission:

Color Diagnostics, LLC DBA Color Health
Classification: Uncertain significance for Cardiomyopathy. Last evaluated: 2024-06-30. Review status: criteria provided, single submitter. Criteria: ACMG Guidelines, 2015. Collection method: clinical testing. Allele origin: germline.
Comment: This variant alters the intron 26 canonical splice acceptor site of the MYH7 gene. Splice prediction tools suggest that this variant may disrupt RNA splicing. To our knowledge, functional studies have not been reported for this variant. This variant has not been reported in individuals affected with MYH7-related disorders in the literature. This variant has not been identified in the general population by the Genome Aggregation Database (gnomAD). The role of loss-of-function MYH7 truncation and splice variants in autosomal dominant cardiovascular disorders is not clearly established. The available evidence is insufficient to determine the role of this variant in disease conclusively. Therefore, this variant is classified as a Variant of Uncertain Significance.

NM_000257.4(MYH7):c.3337-2A>C

Gene: MYH7 (myosin heavy chain 7; minus strand). Cytogenetic location: 14q11.2.
Variant type: single nucleotide variant.
Coding change: c.3337-2A>C on transcript NM_000257.4 (MANE Select); the canonical splice acceptor site of the intron before coding-DNA position 3337, A replaced by C.
Molecular consequence: splice acceptor variant.
Genome position (GRCh38, 1-based): chr14:23,420,236, T>G on the plus strand (A>C on the coding strand, the complement: MYH7 is on the minus strand). VCF-style: chr14-23420236-T-G. GRCh37 (hg19) VCF-style: chr14-23889445-T-G.
Other names: c.3337-2A>C (NM_001407004.1).
Identifiers: ClinVar variation 3893959 (VCV003893959.1).
Genomic context (GRCh38, chr14:23,420,236, plus strand): 5'-ACCTTAGCCCTGGCGGTGCGCTCGGCCTCCAGCTCCTCCTCCAGCTCCTCGATGCGTGCC[T>G]GGTCAGACACAAAGGGCTCAGACCCACCGCCTGGACCCCTCCACTGGAATCCCCCCGGCT-3'